The following is an entry in ClinVar:

ClinVar aggregate classification (germline): Conflicting classifications of pathogenicity. Review status: criteria provided, conflicting classifications (1 of 4 stars). 2 submissions from 2 submitters: Uncertain significance (1); Likely benign (1). Last evaluated 2025-12-18.

Allele frequency attached by ClinVar (database versions not stated): gnomAD 0.00003 and 0.00004; TOPMed 0.00004; gnomAD exomes 0.00005 and 0.00009; ExAC 0.00013; 1000 Genomes Project 0.00040; 1000 Genomes Project 30x 0.00047.
gnomAD v4.1: 79 of 1,613,510 alleles (0.0049%); highest among the groups gnomAD compares: Middle Eastern, 0.017%; no homozygotes.

Submissions (2):

Labcorp Genetics (formerly Invitae), Labcorp
Classification: Uncertain significance. Last evaluated: 2025-12-18. Review status: criteria provided, single submitter. Criteria: Invitae Variant Classification Sherloc (09022015). Collection method: clinical testing. Allele origin: germline.
Comment: This sequence change replaces arginine, which is basic and polar, with cysteine, which is neutral and slightly polar, at codon 550 of the CAPN5 protein (p.Arg550Cys). This variant is present in population databases (rs190746597, gnomAD 0.02%). This variant has not been reported in the literature in individuals affected with CAPN5-related conditions. ClinVar contains an entry for this variant (Variation ID: 954443). An algorithm developed to predict the effect of missense changes on protein structure and function (PolyPhen-2) suggests that this variant is likely to be tolerated. In summary, the available evidence is currently insufficient to determine the role of this variant in disease. Therefore, it has been classified as a Variant of Uncertain Significance.

Blueprint Genetics
Classification: Likely benign. Last evaluated: 2024-11-06. Review status: criteria provided, single submitter. Criteria: ACMG Guidelines, 2015. Collection method: clinical testing. Allele origin: germline.

NM_004055.5(CAPN5):c.1648C>T (p.Arg550Cys)

Gene: CAPN5 (calpain 5; plus strand). Cytogenetic location: 11q13.5.
Variant type: single nucleotide variant.
Coding change: c.1648C>T on transcript NM_004055.5 (MANE Select); coding-DNA position 1648, C replaced by T.
Protein change: p.Arg550Cys; replaces arginine 550 with cysteine.
Molecular consequence: missense variant.
Genome position (GRCh38, 1-based): chr11:77,122,620, C>T. VCF-style: chr11-77122620-C-T. GRCh37 (hg19) VCF-style: chr11-76833666-C-T.
Other names: short protein forms R550C.
Identifiers: ClinVar variation 954443 (VCV000954443.9), dbSNP rs190746597, ClinGen allele CA6196864.